The following is an entry in ClinVar:

ClinVar aggregate classification (germline): Likely benign (1 of 4 stars; one submission).

Allele frequency attached by ClinVar (database versions not stated): 1000 Genomes Project 0.00200.

Submission:

CeGaT Center for Human Genetics Tuebingen
Classification: Likely benign. Last evaluated: 2025-10-01. Review status: criteria provided, single submitter. Criteria: CeGaT Center For Human Genetics Tuebingen Variant Classification Criteria Version 2. Collection method: clinical testing. Allele origin: germline. Affected: yes. Observed: 7 variant alleles.
Comment: MUC4: BP4, BP7

NM_018406.7(MUC4):c.4059A>G (p.Val1353=)

Gene: MUC4 (mucin 4, cell surface associated). Cytogenetic location: 3q29.
Variant type: single nucleotide variant.
Coding change: c.4059A>G on transcript NM_018406.7 (MANE Select); coding-DNA position 4059, A replaced by G.
Protein change: p.Val1353=; no amino-acid change (valine 1353 retained).
Molecular consequence: synonymous variant. On other transcripts: genic upstream transcript variant (2).
Genome position (GRCh38, 1-based): chr3:195,787,521, T>C on the plus strand (A>G on the coding strand, the complement: MUC4 is on the minus strand). VCF-style: chr3-195787521-T-C. GRCh37 (hg19) VCF-style: chr3-195514392-T-C.
Other names: c.5226A>G, p.Ala1742= (NM_001322468.1); c.83-13216A>G (NM_138297.5); c.83-9066A>G (NM_004532.6).
Identifiers: ClinVar variation 2654475 (VCV002654475.24), dbSNP rs201444301, ClinGen allele CA2774407.
Genomic context (GRCh38, chr3:195,787,521, plus strand): 5'-CTGACCTGTGGATGCTGAGGAAGCATCAGTGACATGAAGAGGGGTGGTGTGACCTGTGGA[T>C]ACTGAGGAAGCGTCGGTGACAGGAAGAGGGGTGGTGTCACCTGTGGATGCTGAGGAAGGG-3'
Protein context (NP_060876.5, residues 1343-1363): TPLPVTDASS[Val1353=]STGHTTPLHV